The following is an entry in ClinVar:

NM_006031.6(PCNT):c.362_363del (p.Thr121fs)

Gene: PCNT (pericentrin; plus strand). Cytogenetic location: 21q22.3.
Variant type: Microsatellite.
Coding change: c.362_363del on transcript NM_006031.6 (MANE Select); coding-DNA positions 362 to 363, 2 bases deleted (CA; older notation c.362_363delCA).
Protein change: p.Thr121fs; shifts the reading frame from threonine 121.
Molecular consequence: frameshift variant.
Genome position (GRCh38, 1-based): chr21:46,334,491-46,334,492, CA deleted; deleting any 2 consecutive bases within chr21:46,334,489-46,334,492 gives the same sequence; the c. name uses the placement nearest the transcript's 3' end. VCF-style (leftmost placement, unchanged base first): chr21-46334488-TCA-T. GRCh37 (hg19) VCF-style: chr21-47754402-TCA-T.
Other names: c.8_9del, p.Thr3fs (NM_001315529.2); short protein forms T121fs, T3fs.
Identifiers: ClinVar variation 2985645 (VCV002985645.3), dbSNP rs1284309664, ClinGen allele CA638499022.
Genomic context (GRCh38, chr21:46,334,488, plus strand): 5'-ACTTGGAACAGCTGCAGCAGAAGCAAGTCAATGACCATCCTCCAGAGCAGTGTGGGATGT[TCA>T]CAGTCAGTGACCACCCACCAGAACAGCATGGGATGTTCACAGTCGGTGACCACCCACCAG-3'

ClinVar aggregate classification (germline): Pathogenic (1 of 4 stars; one submission).

Submission:

Labcorp Genetics (formerly Invitae), Labcorp
Classification: Pathogenic. Last evaluated: 2024-02-13. Review status: criteria provided, single submitter. Criteria: Invitae Variant Classification Sherloc (09022015). Collection method: clinical testing. Allele origin: germline.
Comment: This sequence change creates a premature translational stop signal (p.Thr121Serfs*3) in the PCNT gene. It is expected to result in an absent or disrupted protein product. Loss-of-function variants in PCNT are known to be pathogenic (PMID: 18174396, 22821869). This variant is present in population databases (no rsID available, gnomAD 0.002%). This variant has not been reported in the literature in individuals affected with PCNT-related conditions. For these reasons, this variant has been classified as Pathogenic.

Literature cited by the submitters: PubMed 18174396; PubMed 22821869.